The following is an entry in ClinVar:

ClinVar aggregate classification (germline): Benign/Likely benign. Review status: criteria provided, multiple submitters, no conflicts (2 of 4 stars). 8 submissions from 8 submitters: Benign (5); Likely benign (1). 2 of the submissions do not count toward it. Last evaluated 2026-09-01.

Conditions:
LAMC3-related disorder. Also called: LAMC3-related condition.
Occipital pachygyria and polymicrogyria. Identifiers: Orphanet 280640, MedGen C3279875, MONDO:0013583, OMIM 614115.

Allele frequency attached by ClinVar (database versions not stated): 1000 Genomes Project 30x 0.00297; 1000 Genomes Project 0.00319; TOPMed 0.00705; gnomAD 0.00720 and 0.00738; gnomAD exomes 0.00748 and 0.00935; ExAC 0.00846; ESP Exome Variant Server 0.00953.
gnomAD v4.1: 14,859 of 1,613,338 alleles (0.92%); highest among the groups gnomAD compares: Non-Finnish European, 1.1%; 105 homozygotes.

Submissions (8):

CeGaT Center for Human Genetics Tuebingen
Classification: Benign. Last evaluated: 2026-09-01. Review status: criteria provided, single submitter. Criteria: CeGaT Center For Human Genetics Tuebingen Variant Classification Criteria Version 2. Collection method: clinical testing. Allele origin: germline. Affected: yes. Observed: 28 variant alleles.
Comment: LAMC3: BP4, BS1, BS2

Labcorp Genetics (formerly Invitae), Labcorp
Classification: Benign. Last evaluated: 2026-02-02. Review status: criteria provided, single submitter. Criteria: Invitae Variant Classification Sherloc (09022015). Collection method: clinical testing. Allele origin: germline.

Genomic Medicine Center of Excellence, King Faisal Specialist Hospital and Research Centre
Classification: Likely benign. Last evaluated: 2025-08-18. Review status: criteria provided, single submitter. Criteria: ACMG Guidelines, 2015. Collection method: clinical testing. Allele origin: germline.

Fulgent Genetics
Classification: Benign for Occipital pachygyria and polymicrogyria. Last evaluated: 2021-07-08. Review status: criteria provided, single submitter. Criteria: ACMG Guidelines, 2015. Collection method: clinical testing. Allele origin: unknown.

GeneDx
Classification: Benign. Last evaluated: 2015-03-03. Review status: criteria provided, single submitter. Criteria: GeneDx Variant Classification Process June 2021. Collection method: clinical testing. Allele origin: germline. Affected: yes.

Breakthrough Genomics
Classification: Benign. Review status: criteria provided, single submitter. Criteria: ACMG Guidelines, 2015. Collection method: not provided. Allele origin: germline. Inheritance: Autosomal recessive inheritance. Affected: yes.

PreventionGenetics, part of Exact Sciences
Classification: Benign for LAMC3-related condition. Last evaluated: 2019-04-26. Review status: no assertion criteria provided. Collection method: clinical testing. Allele origin: germline. Not counted in ClinVar's aggregate classification.
Comment: This variant is classified as benign based on ACMG/AMP sequence variant interpretation guidelines (Richards et al. 2015 PMID: 25741868, with internal and published modifications).

Genetic Services Laboratory, University of Chicago
Classification: Likely benign for AllHighlyPenetrant. Review status: no assertion criteria provided. Collection method: clinical testing. Allele origin: germline. Inheritance: X-linked inheritance. Not counted in ClinVar's aggregate classification.
Comment: Likely benign based on allele frequency in 1000 Genomes Project or ESP global frequency and its presence in a patient with a rare or unrelated disease phenotype. NOT Sanger confirmed.

NM_006059.4(LAMC3):c.3371C>T (p.Ser1124Phe)

Gene: LAMC3 (laminin subunit gamma 3; plus strand). Cytogenetic location: 9q34.12.
Variant type: single nucleotide variant.
Coding change: c.3371C>T on transcript NM_006059.4 (MANE Select); coding-DNA position 3371, C replaced by T.
Protein change: p.Ser1124Phe; replaces serine 1124 with phenylalanine.
Molecular consequence: missense variant.
Genome position (GRCh38, 1-based): chr9:131,072,789, C>T. VCF-style: chr9-131072789-C-T. GRCh37 (hg19) VCF-style: chr9-133948176-C-T.
Other names: short protein forms S1124F.
Identifiers: ClinVar variation 129461 (VCV000129461.49), dbSNP rs113259170, ClinGen allele CA153490.